The following is an entry in ClinVar:

NM_017780.4(CHD7):c.2009C>A (p.Thr670Asn)

Genes: CHD7 (chromodomain helicase DNA binding protein 7; plus strand), LOC126860403 (CDK7 strongly-dependent group 2 enhancer GRCh37_chr8:61693034-61694233; plus strand). Cytogenetic location: 8q12.2.
Variant type: single nucleotide variant.
Coding change: c.2009C>A on transcript NM_017780.4 (MANE Select); coding-DNA position 2009, C replaced by A.
Protein change: p.Thr670Asn; replaces threonine 670 with asparagine.
Molecular consequence: missense variant. On other transcripts: intron variant (1).
Genome position (GRCh38, 1-based): chr8:60,781,343, C>A. VCF-style: chr8-60781343-C-A. GRCh37 (hg19) VCF-style: chr8-61693902-C-A.
Other names: c.1716+293C>A (NM_001316690.1); short protein forms T670N.
Identifiers: ClinVar variation 2184041 (VCV002184041.4), dbSNP rs1254432275, ClinGen allele CA371313380.

ClinVar aggregate classification (germline): Uncertain significance (1 of 4 stars; one submission).

Conditions:
CHARGE syndrome (CHARGE). Also called: Hittner Hirsch Kreh syndrome; CHARGE ASSOCIATION--COLOBOMA, HEART ANOMALY, CHOANAL ATRESIA, RETARDATION, GENITAL AND EAR ANOMALIES; Coloboma, heart anomaly, choanal atresia, retardation, genital and ear anomalies; CHARGE association; Hall-Hittner syndrome. Identifiers: Orphanet 138, MedGen C0265354, MONDO:0008965.

Allele frequency attached by ClinVar (database versions not stated): gnomAD 0.00001.
gnomAD v4.1: 12 of 1,567,236 alleles (0.00077%); highest among the groups gnomAD compares: Non-Finnish European, 0.001%; no homozygotes.

Submission:

Labcorp Genetics (formerly Invitae), Labcorp
Classification: Uncertain significance for CHARGE syndrome. Last evaluated: 2023-09-10. Review status: criteria provided, single submitter. Criteria: Invitae Variant Classification Sherloc (09022015). Collection method: clinical testing. Allele origin: germline.
Comment: In summary, the available evidence is currently insufficient to determine the role of this variant in disease. Therefore, it has been classified as a Variant of Uncertain Significance. Advanced modeling of protein sequence and biophysical properties (such as structural, functional, and spatial information, amino acid conservation, physicochemical variation, residue mobility, and thermodynamic stability) performed at Invitae indicates that this missense variant is not expected to disrupt CHD7 protein function. ClinVar contains an entry for this variant (Variation ID: 2184041). This variant has not been reported in the literature in individuals affected with CHD7-related conditions. This variant is present in population databases (no rsID available, gnomAD 0.007%). This sequence change replaces threonine, which is neutral and polar, with asparagine, which is neutral and polar, at codon 670 of the CHD7 protein (p.Thr670Asn).